The following is an entry in ClinVar:

ClinVar aggregate classification (germline): Uncertain significance (1 of 4 stars; one submission).

Conditions:
Primary ciliary dyskinesia. Also called: Ciliary dyskinesia. Identifiers: Orphanet 244, MedGen C0008780, MONDO:0016575, HP:0012265.

Allele frequency attached by ClinVar (database versions not stated): gnomAD exomes 0.00001.
gnomAD v4.1: 8 of 1,612,116 alleles (0.0005%); highest among the groups gnomAD compares: South Asian, 0.0011%; no homozygotes.

Submission:

Ambry Genetics
Classification: Uncertain significance for Primary ciliary dyskinesia. Last evaluated: 2022-06-22. Review status: criteria provided, single submitter. Criteria: Ambry Variant Classification Scheme 2023. Collection method: clinical testing. Allele origin: germline.
Comment: The p.E497V variant (also known as c.1490A>T), located in coding exon 1 of the DNAAF2 gene, results from an A to T substitution at nucleotide position 1490. The glutamic acid at codon 497 is replaced by valine, an amino acid with dissimilar properties. This amino acid position is conserved. In addition, this alteration is predicted to be tolerated by in silico analysis. Since supporting evidence is limited at this time, the clinical significance of this alteration remains unclear.

NM_018139.3(DNAAF2):c.1490A>T (p.Glu497Val)

Gene: DNAAF2 (dynein axonemal assembly factor 2; minus strand). Cytogenetic location: 14q21.3.
Variant type: single nucleotide variant.
Coding change: c.1490A>T on transcript NM_018139.3 (MANE Select); coding-DNA position 1490, A replaced by T.
Protein change: p.Glu497Val; replaces glutamic acid 497 with valine.
Molecular consequence: missense variant. On other transcripts: 5 prime UTR variant (1).
Genome position (GRCh38, 1-based): chr14:49,633,660, T>A on the plus strand (A>T on the coding strand, the complement: DNAAF2 is on the minus strand). VCF-style: chr14-49633660-T-A. GRCh37 (hg19) VCF-style: chr14-50100378-T-A.
Other names: c.1490A>T, p.Glu497Val (NM_001083908.2); c.-382A>T (NM_001378453.1); short protein forms E497V.
Identifiers: ClinVar variation 1773767 (VCV001773767.2), dbSNP rs2502767112, ClinGen allele CA389627173.